The following is an entry in ClinVar:

ClinVar aggregate classification (germline): Likely benign (1 of 4 stars; one submission).

Conditions:
ALDOB-related disorder. Also called: ALDOB-related condition.

Submission:

PreventionGenetics, part of Exact Sciences
Classification: Likely benign for ALDOB-related condition. Last evaluated: 2025-06-11. Review status: criteria provided, single submitter. Criteria: ACMG Guidelines, 2015. Collection method: clinical testing. Allele origin: germline.
Comment: This variant is classified as likely benign based on ACMG/AMP sequence variant interpretation guidelines (Richards et al. 2015 PMID: 25741868, with internal and published modifications).

NC_000009.12:g.101435828T>C

Gene: ALDOB (aldolase, fructose-bisphosphate B; minus strand). Cytogenetic location: 9q31.1.
Variant type: single nucleotide variant.
Genome position: GRCh38 VCF-style: chr9-101435828-T-C. GRCh37 (hg19) VCF-style: chr9-104198110-T-C.
Identifiers: ClinVar variation 4984839 (VCV004984839.1).
Genomic context (GRCh38, chr9:101,435,828, plus strand): 5'-AAATAAGACAGATCTTTGGTAGCACACAATTTTTATAGACTTCTCATCATGTTTTTTTTT[T>C]CCAATATTTGCCCTCCCCTTTCTACCTTGACCTAGTAGGGAGGTGTTTATTCAACACCTC-3'